The following is an entry in ClinVar:

NM_001794.5(CDH4):c.1782G>A (p.Pro594=)

Gene: CDH4 (cadherin 4; plus strand). Cytogenetic location: 20q13.33.
Variant type: single nucleotide variant.
Coding change: c.1782G>A on transcript NM_001794.5 (MANE Select); coding-DNA position 1782, G replaced by A.
Protein change: p.Pro594=; no amino-acid change (proline 594 retained).
Molecular consequence: synonymous variant.
Genome position (GRCh38, 1-based): chr20:61,928,200, G>A. VCF-style: chr20-61928200-G-A. GRCh37 (hg19) VCF-style: chr20-60503258-G-A.
Other names: c.1671G>A, p.Pro557= (NM_001252338.2); c.1560G>A, p.Pro520= (NM_001252339.3).
Identifiers: ClinVar variation 3046867 (VCV003046867.2), dbSNP rs767997015, ClinGen allele CA9934873.

ClinVar aggregate classification (germline): Likely benign (0 of 4 stars; one submission).

Conditions:
CDH4-related disorder. Also called: CDH4-related condition.

Allele frequency attached by ClinVar (database versions not stated): ExAC 0.00001; gnomAD 0.00001.
gnomAD v4.1: 15 of 1,600,568 alleles (0.00094%); highest among the groups gnomAD compares: African/African-American, 0.0027%; no homozygotes.

Submission:

PreventionGenetics, part of Exact Sciences
Classification: Likely benign for CDH4-related condition. Last evaluated: 2019-04-03. Review status: no assertion criteria provided. Collection method: clinical testing. Allele origin: germline.
Comment: This variant is classified as likely benign based on ACMG/AMP sequence variant interpretation guidelines (Richards et al. 2015 PMID: 25741868, with internal and published modifications).